The following is an entry in ClinVar:

NM_002335.4(LRP5):c.34CTG[10] (p.Leu20dup)

Gene: LRP5 (LDL receptor related protein 5; plus strand). Cytogenetic location: 11q13.2.
Variant type: Microsatellite.
Coding change: c.34CTG[10] on transcript NM_002335.4 (MANE Select); ten copies in a row of the 3-base unit CTG starting at c.34; the reference has nine copies in a row; one copy, 3 bases duplicated; also written c.58_60dup.
Protein change: p.Leu20dup; duplicates leucine 20.
Molecular consequence: inframe insertion. On other transcripts: 5 prime UTR variant (1).
Genome position (GRCh38, 1-based): chr11:68,312,772-68,312,774, CTG duplicated; duplicating any 3 consecutive bases within chr11:68,312,747-68,312,774 gives the same sequence; the position shown is the placement nearest the transcript's 3' end. VCF-style (leftmost placement, unchanged base first): chr11-68312746-C-CGCT. GRCh37 (hg19) VCF-style: chr11-68080214-C-CGCT.
Other names: p.Leu20dup; c.58_60dupCTG (NM_002335.3, NM_002335.4); c.58_60dup (NM_002335.4); c.33_35dup (NM_002335.4); c.32_33insGCT (NM_002335.2); c.-1732CTG[10] (NM_001291902.2).
Identifiers: ClinVar variation 193231 (VCV000193231.24), dbSNP rs72555376, ClinGen allele CA200422.

ClinVar aggregate classification (germline): Conflicting classifications of pathogenicity. Review status: criteria provided, conflicting classifications (1 of 4 stars). 12 submissions from 11 submitters: Uncertain significance (1); Benign (7); Likely benign (2). 2 of the submissions do not count toward it. Last evaluated 2026-02-04.

Conditions:
Autosomal dominant osteopetrosis 1 (OPTA1). Also called: OSTEOPETROSIS, AUTOSOMAL DOMINANT, TYPE I. Identifiers: Orphanet 2783, MedGen C1843330, MONDO:0011877, OMIM 607634.
Bone mineral density quantitative trait locus 1 (BMND1). Identifiers: MedGen C1866079, OMIM 601884.
Polycystic liver disease 4 with or without kidney cysts. Identifiers: MedGen C4693479, MONDO:0044327, OMIM 617875.
Worth disease. Also called: Autosomal dominant osteosclerosis, Worth type; ENDOSTEAL HYPEROSTOSIS, AUTOSOMAL DOMINANT; OSTEOSCLEROSIS, AUTOSOMAL DOMINANT. Identifiers: Orphanet 2790, MedGen C0432273, MONDO:0007764, OMIM 144750.
Osteoporosis with pseudoglioma (OPPG). Also called: osteoporosis-pseudoglioma syndrome. Identifiers: Orphanet 2788, MedGen C0432252, MONDO:0009820, OMIM 259770.
Exudative vitreoretinopathy 4 (EVR4). Identifiers: Orphanet 891, MedGen C1866176, MONDO:0011151, OMIM 601813.
Optic atrophy. Identifiers: MedGen C0029124, MONDO:0003608, HP:0000648.
Retinal dystrophy. Also called: Inherited retinal dystrophy. Identifiers: Orphanet 71862, MedGen C0854723, MeSH D058499, MONDO:0019118, HP:0000556.

Submissions (12):

Labcorp Genetics (formerly Invitae), Labcorp
Classification: Benign. Last evaluated: 2026-02-04. Review status: criteria provided, single submitter. Criteria: Invitae Variant Classification Sherloc (09022015). Collection method: clinical testing. Allele origin: germline.

Blueprint Genetics
Classification: Likely benign. Last evaluated: 2024-11-27. Review status: criteria provided, single submitter. Criteria: ACMG Guidelines, 2015. Collection method: clinical testing. Allele origin: germline.

Victorian Clinical Genetics Services, Murdoch Childrens Research Institute
Classification: Likely benign for Osteoporosis with pseudoglioma. Last evaluated: 2023-07-17. Review status: criteria provided, single submitter. Criteria: ACMG Guidelines, 2015. Collection method: clinical testing. Allele origin: germline. Inheritance: Autosomal recessive inheritance.
Comment: Based on the classification scheme VCGS_Germline_v1.3.4, this variant is classified as likely benign. Following criteria are met: 0308 - Population frequency for this variant is out of keeping with known incidence of osteoporosis-pseudoglioma syndrome (MIM#259770), with 791 homozygotes in gnomAD v3. (SB) Legend: (SP) - Supporting pathogenic, (I) - Information, (SB) - Supporting benign

Molecular Genetics, Royal Melbourne Hospital
Classification: Benign for Exudative vitreoretinopathy 4. Last evaluated: 2023-05-04. Review status: criteria provided, single submitter. Criteria: ACMG Guidelines, 2015. Collection method: clinical testing. Allele origin: germline. Affected: yes.
Comment: African/African American population allele frequency is 13.45% (rs564221347, 1220/7934 alleles, 89 homozygotes in gnomAD v2.1). Based on the classification scheme RMH Modified ACMG/AMP Guidelines v1.2.1, this variant is classified as BENIGN. Following criteria are met: BA1

Mayo Clinic Laboratories, Mayo Clinic
Classification: Benign. Last evaluated: 2023-02-06. Review status: criteria provided, single submitter. Criteria: ACMG Guidelines, 2015. Collection method: clinical testing. Allele origin: germline. Observed: 52 variant alleles.

GeneDx
Classification: Benign. Last evaluated: 2015-09-29. Review status: criteria provided, single submitter. Criteria: GeneDx Variant Classification Process June 2021. Collection method: clinical testing. Allele origin: germline. Affected: yes.

Genomic Diagnostic Laboratory, Division of Genomic Diagnostics, Children's Hospital of Philadelphia
Classification: Benign. Last evaluated: 2015-03-06. Review status: criteria provided, single submitter. Criteria: DGD Variant Analysis Guidelines. Collection method: clinical testing. Allele origin: unknown.

Eurofins Ntd Llc (ga)
Classification: Benign. Last evaluated: 2014-06-12. Review status: criteria provided, single submitter. Criteria: EGL Classification Definitions. Collection method: clinical testing. Allele origin: germline. Observed: 15 variant alleles, 15 heterozygotes.

Juno Genomics, Hangzhou Juno Genomics, Inc
Classification: Uncertain significance for Bone mineral density quantitative trait locus 1; Worth disease; Exudative vitreoretinopathy 4; Autosomal dominant osteopetrosis 1; Osteoporosis with pseudoglioma; Polycystic liver disease 4 with or without kidney cysts. Review status: criteria provided, single submitter. Criteria: ACMG Guidelines, 2015. Collection method: clinical testing. Allele origin: germline.
Comment: Absent from controls (or at extremely low frequency if recessive) in Genome Aggregation Database.;Protein length changes due to in-frame deletions/insertions in a non-repeat region or stop-loss variants.

PreventionGenetics, part of Exact Sciences
Classification: Benign. Review status: criteria provided, single submitter. Criteria: ACMG Guidelines, 2015. Collection method: clinical testing. Allele origin: germline.

Institute of Human Genetics, Univ. Regensburg, Univ. Regensburg
Classification: Uncertain significance for Optic atrophy. Last evaluated: 2023-01-01. Review status: no assertion criteria provided. Criteria: ACMG Guidelines, 2015. Collection method: clinical testing. Allele origin: germline. Affected: yes. Not counted in ClinVar's aggregate classification.

Institute of Human Genetics, Univ. Regensburg, Univ. Regensburg
Classification: Uncertain significance for Retinal dystrophy. Last evaluated: 2023-01-01. Review status: no assertion criteria provided. Criteria: ACMG Guidelines, 2015. Collection method: clinical testing. Allele origin: germline. Affected: yes. Not counted in ClinVar's aggregate classification.

Literature cited by the submitters: PubMed 12579474 (cited by Eurofins Ntd Llc (ga)).